The following is an entry in ClinVar:

ClinVar aggregate classification (germline): Uncertain significance (1 of 4 stars; one submission).

Conditions:
Tumor predisposition syndrome 3 (TPDS3). Also called: Melanoma, cutaneous malignant, susceptibility to, 10; Glioma susceptibility 9; LONG TELOMERE SYNDROME, POT1-RELATED; POT1 Tumor Predisposition. Identifiers: Orphanet 618, MedGen C4014476, MONDO:0014368, OMIM 615848.

Submission:

Labcorp Genetics (formerly Invitae), Labcorp
Classification: Uncertain significance for Tumor predisposition syndrome 3. Last evaluated: 2026-02-02. Review status: criteria provided, single submitter. Criteria: Invitae Variant Classification Sherloc (09022015). Collection method: clinical testing. Allele origin: germline.
Comment: This sequence change replaces serine, which is neutral and polar, with threonine, which is neutral and polar, at codon 517 of the POT1 protein (p.Ser517Thr). This variant is not present in population databases (gnomAD no frequency). This variant has not been reported in the literature in individuals affected with POT1-related conditions. An algorithm developed to predict the effect of missense changes on protein structure and function (PolyPhen-2) suggests that this variant is likely to be tolerated. In summary, the available evidence is currently insufficient to determine the role of this variant in disease. Therefore, it has been classified as a Variant of Uncertain Significance.

NM_015450.3(POT1):c.1549T>A (p.Ser517Thr)

Gene: POT1 (protection of telomeres 1; minus strand). Cytogenetic location: 7q31.33.
Variant type: single nucleotide variant.
Coding change: c.1549T>A on transcript NM_015450.3 (MANE Select); coding-DNA position 1549, T replaced by A.
Protein change: p.Ser517Thr; replaces serine 517 with threonine.
Molecular consequence: missense variant. On other transcripts: non-coding transcript variant (2).
Genome position (GRCh38, 1-based): chr7:124,829,299, A>T on the plus strand (T>A on the coding strand, the complement: POT1 is on the minus strand). VCF-style: chr7-124829299-A-T. GRCh37 (hg19) VCF-style: chr7-124469353-A-T.
Other names: c.1156T>A, p.Ser386Thr (NM_001042594.2); short protein forms S386T, S517T.
Identifiers: ClinVar variation 4798426 (VCV004798426.1).
Genomic context (GRCh38, chr7:124,829,299, plus strand): 5'-GGAAATTTAGCTAACCTTCTGCCACAGAAGAAGGAATCCACGATGTTTTATCAACCAGGG[A>T]ATTTAGATTTTGTATGGATCTCAAACTAGAACACTGTTTACATCTGAAATTTATAAAAGA-3'
Protein context (NP_056265.2, residues 507-527): SSLRSIQNLN[Ser517Thr]LVDKTSWIPS